The following is an entry in ClinVar:

NM_021930.6(RINT1):c.1567G>C (p.Val523Leu)

Gene: RINT1 (RAD50 interactor 1; plus strand). Cytogenetic location: 7q22.3.
Variant type: single nucleotide variant.
Coding change: c.1567G>C on transcript NM_021930.6 (MANE Select); coding-DNA position 1567, G replaced by C.
Protein change: p.Val523Leu; replaces valine 523 with leucine.
Molecular consequence: missense variant.
Genome position (GRCh38, 1-based): chr7:105,555,123, G>C. VCF-style: chr7-105555123-G-C. GRCh37 (hg19) VCF-style: chr7-105195570-G-C.
Other names: c.1333G>C, p.Val445Leu (NM_001346599.2); c.544G>C, p.Val182Leu (NM_001346600.2, NM_001346603.2); c.643G>C, p.Val215Leu (NM_001346601.2); short protein forms V182L, V215L, V445L, V523L.
Identifiers: ClinVar variation 3314465 (VCV003314465.1).

ClinVar aggregate classification (germline): Uncertain significance (1 of 4 stars; one submission).

Submission:

Ambry Genetics
Classification: Uncertain significance. Last evaluated: 2024-05-04. Review status: criteria provided, single submitter. Criteria: Ambry Variant Classification Scheme 2023. Collection method: clinical testing. Allele origin: germline.
Comment: The p.V523L variant (also known as c.1567G>C), located in coding exon 11 of the RINT1 gene, results from a G to C substitution at nucleotide position 1567. The valine at codon 523 is replaced by leucine, an amino acid with highly similar properties. This amino acid position is conserved. In addition, this alteration is predicted to be tolerated by in silico analysis. Based on the available evidence, the clinical significance of this variant remains unclear.